The following is an entry in ClinVar:

ClinVar aggregate classification (germline): Uncertain significance (1 of 4 stars; one submission).

Allele frequency attached by ClinVar (database versions not stated): TOPMed 0.00001; ExAC 0.00002.

Submission:

Labcorp Genetics (formerly Invitae), Labcorp
Classification: Uncertain significance. Last evaluated: 2024-06-12. Review status: criteria provided, single submitter. Criteria: Invitae Variant Classification Sherloc (09022015). Collection method: clinical testing. Allele origin: germline.
Comment: This sequence change creates a premature translational stop signal (p.Tyr726Ilefs*16) in the GRIN2D gene. It is expected to result in an absent or disrupted protein product. However, the current clinical and genetic evidence is not sufficient to establish whether loss-of-function variants in GRIN2D cause disease. This variant is present in population databases (rs764462899, gnomAD 0.007%). This variant has not been reported in the literature in individuals affected with GRIN2D-related conditions. ClinVar contains an entry for this variant (Variation ID: 2417753). In summary, the available evidence is currently insufficient to determine the role of this variant in disease. Therefore, it has been classified as a Variant of Uncertain Significance.

NM_000836.4(GRIN2D):c.2176del (p.Tyr726fs)

Gene: GRIN2D (glutamate ionotropic receptor NMDA type subunit 2D; plus strand). Cytogenetic location: 19q13.33.
Variant type: Deletion.
Coding change: c.2176del on transcript NM_000836.4 (MANE Select); coding-DNA position 2176, one base deleted (T; older notation c.2176delT).
Protein change: p.Tyr726fs; shifts the reading frame from tyrosine 726.
Molecular consequence: frameshift variant.
Genome position (GRCh38, 1-based): chr19:48,421,869, T deleted. VCF-style (leftmost placement, unchanged base first): chr19-48421868-CT-C. GRCh37 (hg19) VCF-style: chr19-48925125-CT-C.
Other names: short protein forms Y726fs.
Identifiers: ClinVar variation 2417753 (VCV002417753.6), dbSNP rs764462899, ClinGen allele CA9550675.